The following is an entry in ClinVar:

NM_014000.3(VCL):c.562C>G (p.Arg188Gly)

Gene: VCL (vinculin; plus strand). Cytogenetic location: 10q22.2.
Variant type: single nucleotide variant.
Coding change: c.562C>G on transcript NM_014000.3 (MANE Select); coding-DNA position 562, C replaced by G.
Protein change: p.Arg188Gly; replaces arginine 188 with glycine.
Molecular consequence: missense variant.
Genome position (GRCh38, 1-based): chr10:74,072,792, C>G. VCF-style: chr10-74072792-C-G. GRCh37 (hg19) VCF-style: chr10-75832550-C-G.
Other names: c.562C>G, p.Arg188Gly (NM_003373.4); short protein forms R188G.
Identifiers: ClinVar variation 1748735 (VCV001748735.2), dbSNP rs397517244, ClinGen allele CA377268058.
Genomic context (GRCh38, chr10:74,072,792, plus strand): 5'-ATGACTAAGATGGCCAAGATGATTGACGAGAGACAGCAGGAGCTCACTCACCAGGAGCAC[C>G]GAGTGATGTTGGTGAACTCGATGAACACCGTGAAAGAGTTGCTGCCAGTTCTCATTTCAG-3'
Protein context (NP_054706.1, residues 178-198): RQQELTHQEH[Arg188Gly]VMLVNSMNTV

ClinVar aggregate classification (germline): Uncertain significance (1 of 4 stars; one submission).

Conditions:
Cardiovascular phenotype. Identifiers: MedGen CN230736.

Submission:

Ambry Genetics
Classification: Uncertain significance for Cardiovascular phenotype. Last evaluated: 2022-03-23. Review status: criteria provided, single submitter. Criteria: Ambry Variant Classification Scheme 2023. Collection method: clinical testing. Allele origin: germline.
Comment: The p.R188G variant (also known as c.562C>G), located in coding exon 5 of the VCL gene, results from a C to G substitution at nucleotide position 562. The arginine at codon 188 is replaced by glycine, an amino acid with dissimilar properties. This amino acid position is conserved. In addition, this alteration is predicted to be deleterious by in silico analysis. Since supporting evidence is limited at this time, the clinical significance of this alteration remains unclear.